The following is an entry in ClinVar:

NM_000702.4(ATP1A2):c.2656G>T (p.Asp886Tyr)

Gene: ATP1A2 (ATPase Na+/K+ transporting subunit alpha 2; plus strand). Cytogenetic location: 1q23.2.
Variant type: single nucleotide variant.
Coding change: c.2656G>T on transcript NM_000702.4 (MANE Select); coding-DNA position 2656, G replaced by T.
Protein change: p.Asp886Tyr; replaces aspartic acid 886 with tyrosine.
Molecular consequence: missense variant.
Genome position (GRCh38, 1-based): chr1:160,136,662, G>T. VCF-style: chr1-160136662-G-T. GRCh37 (hg19) VCF-style: chr1-160106452-G-T.
Other names: short protein forms D886Y.
Identifiers: ClinVar variation 3016365 (VCV003016365.3), dbSNP rs757896422, ClinGen allele CA343252137.

ClinVar aggregate classification (germline): Uncertain significance (1 of 4 stars; one submission).

Conditions:
Familial hemiplegic migraine. Identifiers: MedGen C0338484, MONDO:0000700.

gnomAD v4.1: 11 of 1,614,232 alleles (0.00068%); highest among the groups gnomAD compares: Non-Finnish European, 0.00093%; no homozygotes.

Submission:

Labcorp Genetics (formerly Invitae), Labcorp
Classification: Uncertain significance for Familial hemiplegic migraine. Last evaluated: 2023-11-17. Review status: criteria provided, single submitter. Criteria: Invitae Variant Classification Sherloc (09022015). Collection method: clinical testing. Allele origin: germline.
Comment: This sequence change replaces aspartic acid, which is acidic and polar, with tyrosine, which is neutral and polar, at codon 886 of the ATP1A2 protein (p.Asp886Tyr). This variant is not present in population databases (gnomAD no frequency). This variant has not been reported in the literature in individuals affected with ATP1A2-related conditions. Advanced modeling of protein sequence and biophysical properties (such as structural, functional, and spatial information, amino acid conservation, physicochemical variation, residue mobility, and thermodynamic stability) performed at Invitae indicates that this missense variant is not expected to disrupt ATP1A2 protein function with a negative predictive value of 95%. In summary, the available evidence is currently insufficient to determine the role of this variant in disease. Therefore, it has been classified as a Variant of Uncertain Significance.